The following is an entry in ClinVar:

ClinVar aggregate classification (germline): Likely pathogenic (1 of 4 stars; one submission).

Allele frequency attached by ClinVar (database versions not stated): ExAC 0.00001; gnomAD exomes 0.00001 and 0.00002.
gnomAD v4.1: 25 of 1,612,908 alleles (0.0015%); highest among the groups gnomAD compares: Non-Finnish European, 0.002%; no homozygotes.

Submission:

Labcorp Genetics (formerly Invitae), Labcorp
Classification: Likely pathogenic. Last evaluated: 2024-04-18. Review status: criteria provided, single submitter. Criteria: Invitae Variant Classification Sherloc (09022015). Collection method: clinical testing. Allele origin: germline.
Comment: This sequence change affects a donor splice site in intron 23 of the LTBP4 gene. It is expected to disrupt RNA splicing. Variants that disrupt the donor or acceptor splice site typically lead to a loss of protein function (PMID: 16199547), and loss-of-function variants in LTBP4 are known to be pathogenic (PMID: 19836010, 22829427). This variant is present in population databases (rs750698494, gnomAD 0.002%). This variant has not been reported in the literature in individuals affected with LTBP4-related conditions. ClinVar contains an entry for this variant (Variation ID: 1502732). Algorithms developed to predict the effect of sequence changes on RNA splicing suggest that this variant may disrupt the consensus splice site. In summary, the currently available evidence indicates that the variant is pathogenic, but additional data are needed to prove that conclusively. Therefore, this variant has been classified as Likely Pathogenic.

Literature cited by the submitters: PubMed 16199547; PubMed 19836010; PubMed 22829427.

NM_001042545.2(LTBP4):c.2944+1G>A

Gene: LTBP4 (latent transforming growth factor beta binding protein 4; plus strand). Cytogenetic location: 19q13.2.
Variant type: single nucleotide variant.
Coding change: c.2944+1G>A on transcript NM_001042545.2 (MANE Select); the canonical splice donor site of the intron after coding-DNA position 2944, G replaced by A.
Molecular consequence: splice donor variant.
Genome position (GRCh38, 1-based): chr19:40,617,021, G>A. VCF-style: chr19-40617021-G-A. GRCh37 (hg19) VCF-style: chr19-41122927-G-A.
Other names: c.3034+1G>A (NM_003573.2); c.3145+1G>A (NM_001042544.1).
Identifiers: ClinVar variation 1502732 (VCV001502732.5), dbSNP rs750698494, ClinGen allele CA9448831.